The following is an entry in ClinVar:

NM_017671.5(FERMT1):c.1660C>T (p.Arg554Trp)

Gene: FERMT1 (FERM domain containing kindlin 1; minus strand). Cytogenetic location: 20p12.3.
Variant type: single nucleotide variant.
Coding change: c.1660C>T on transcript NM_017671.5 (MANE Select); coding-DNA position 1660, C replaced by T.
Protein change: p.Arg554Trp; replaces arginine 554 with tryptophan.
Molecular consequence: missense variant.
Genome position (GRCh38, 1-based): chr20:6,084,098, G>A on the plus strand (C>T on the coding strand, the complement: FERMT1 is on the minus strand). VCF-style: chr20-6084098-G-A. GRCh37 (hg19) VCF-style: chr20-6064745-G-A.
Other names: c.1660C>T (NM_017671.4); short protein forms R554W.
Identifiers: ClinVar variation 1500466 (VCV001500466.5), dbSNP rs149523994, ClinGen allele CA9758067.
Genomic context (GRCh38, chr20:6,084,098, plus strand): 5'-ACCTGACAAGGTAGTAGGTGAGGCCAAACTCAGGCAGTGACTGCCACGCCTGGATGAACC[G>A]CAGCTTGGCTTCGACCAGGGGCATCTGGGCCACGTTCTGGTGCGCCTCCAGGATCCGGGC-3'
Protein context (NP_060141.3, residues 544-564): AQMPLVEAKL[Arg554Trp]FIQAWQSLPE

ClinVar aggregate classification (germline): Uncertain significance. Review status: criteria provided, multiple submitters, no conflicts (2 of 4 stars). 2 submissions from 2 submitters: Uncertain significance (2). Last evaluated 2025-09-25.

Conditions:
Inborn genetic diseases. Identifiers: MedGen C0950123, MeSH D030342.

Allele frequency attached by ClinVar (database versions not stated): ExAC 0.00003; gnomAD exomes 0.00004; ESP Exome Variant Server 0.00015.
gnomAD v4.1: 71 of 1,613,810 alleles (0.0044%); highest among the groups gnomAD compares: Admixed American, 0.0083%; no homozygotes.

Submissions (2):

Ambry Genetics
Classification: Uncertain significance for Inborn genetic diseases. Last evaluated: 2025-09-25. Review status: criteria provided, single submitter. Criteria: Ambry Variant Classification Scheme 2023. Collection method: clinical testing. Allele origin: germline.

Labcorp Genetics (formerly Invitae), Labcorp
Classification: Uncertain significance. Last evaluated: 2022-08-16. Review status: criteria provided, single submitter. Criteria: Invitae Variant Classification Sherloc (09022015). Collection method: clinical testing. Allele origin: germline.
Comment: This sequence change replaces arginine, which is basic and polar, with tryptophan, which is neutral and slightly polar, at codon 554 of the FERMT1 protein (p.Arg554Trp). This variant is present in population databases (rs149523994, gnomAD 0.008%). This variant has not been reported in the literature in individuals affected with FERMT1-related conditions. ClinVar contains an entry for this variant (Variation ID: 1500466). Algorithms developed to predict the effect of missense changes on protein structure and function (SIFT, PolyPhen-2, Align-GVGD) all suggest that this variant is likely to be disruptive. In summary, the available evidence is currently insufficient to determine the role of this variant in disease. Therefore, it has been classified as a Variant of Uncertain Significance.